The following is an entry in ClinVar:

NM_001009944.3(PKD1):c.9235_9256dup (p.Val3086fs)

Gene: PKD1 (polycystin 1, transient receptor potential channel interacting; minus strand). Cytogenetic location: 16p13.3.
Variant type: Duplication.
Coding change: c.9235_9256dup on transcript NM_001009944.3 (MANE Select); coding-DNA positions 9235 to 9256, 22 bases duplicated (CTGACATGTGCTGTGTGCCTGG).
Protein change: p.Val3086fs; shifts the reading frame from valine 3086.
Molecular consequence: frameshift variant.
Genome position (GRCh38, 1-based): chr16:2,102,202-2,102,223, CCAGGCACACAGCACATGTCAG duplicated on the plus strand (CTGACATGTGCTGTGTGCCTGG on the coding strand, the reverse complement: PKD1 is on the minus strand); duplicating any 22 consecutive bases within chr16:2,102,202-2,102,224 gives the same sequence; the c. name uses the placement nearest the transcript's 3' end. VCF-style (leftmost placement, unchanged base first): chr16-2102201-A-ACCAGGCACACAGCACATGTCAG. GRCh37 (hg19) VCF-style: chr16-2152202-A-ACCAGGCACACAGCACATGTCAG.
Other names: c.9235_9256dup22 (NM_001009944.2); c.9235_9256dup, p.Val3086fs (NM_000296.4); short protein forms V3086fs.
Identifiers: ClinVar variation 5002334 (VCV005002334.1).
Genomic context (GRCh38, chr16:2,102,201, plus strand): 5'-CCCCGGCTGGCATCCAACTGGTCCAGCTTGTGCAGGATGGCGGCCATGACCATGTAGGTC[A>ACCAGGCACACAGCACATGTCAG]CCAGGCACACAGCACATGTCAGCATGACGATGTAGTTTACATCCGCTGTCGGCTCCTGTG-3'

ClinVar aggregate classification (germline): Pathogenic (1 of 4 stars; one submission).

Conditions:
PKD1-related disorder. Also called: PKD1-related condition.

Submission:

PreventionGenetics, part of Exact Sciences
Classification: Pathogenic for PKD1-related condition. Last evaluated: 2025-07-05. Review status: criteria provided, single submitter. Criteria: ACMG Guidelines, 2015. Collection method: clinical testing. Allele origin: germline.
Comment: The PKD1 c.9235_9256dup22 variant is predicted to result in a frameshift and premature protein termination (p.Val3086Alafs*100). To our knowledge, this variant has not been reported in the literature or in a large population database (gnomAD), indicating this variant is rare. Frameshift variants in PKD1 are expected to be pathogenic. This variant is interpreted as pathogenic.